The following is an entry in ClinVar:

ClinVar aggregate classification (germline): Likely benign. Review status: criteria provided, single submitter (1 of 4 stars). 2 submissions from 2 submitters: Likely benign (1). 1 of the submissions does not count toward it. Last evaluated 2025-03-25.

Conditions:
NCAPD2-related disorder. Also called: NCAPD2-related condition.
Inborn genetic diseases. Identifiers: MedGen C0950123, MeSH D030342.

Allele frequency attached by ClinVar (database versions not stated): TOPMed 0.00188; gnomAD exomes 0.00020; ExAC 0.00054; 1000 Genomes Project 0.00200; ESP Exome Variant Server 0.00123; gnomAD 0.00160; 1000 Genomes Project 30x 0.00219.

Submissions (2):

Ambry Genetics
Classification: Likely benign for Inborn genetic diseases. Last evaluated: 2025-03-25. Review status: criteria provided, single submitter. Criteria: Ambry Variant Classification Scheme 2023. Collection method: clinical testing. Allele origin: germline.

PreventionGenetics, part of Exact Sciences
Classification: Likely benign for NCAPD2-related condition. Last evaluated: 2019-08-09. Review status: no assertion criteria provided. Collection method: clinical testing. Allele origin: germline. Not counted in ClinVar's aggregate classification.
Comment: This variant is classified as likely benign based on ACMG/AMP sequence variant interpretation guidelines (Richards et al. 2015 PMID: 25741868, with internal and published modifications).

NM_014865.4(NCAPD2):c.1901T>C (p.Ile634Thr)

Gene: NCAPD2 (non-SMC condensin I complex subunit D2; plus strand). Cytogenetic location: 12p13.31.
Variant type: single nucleotide variant.
Coding change: c.1901T>C on transcript NM_014865.4 (MANE Select); coding-DNA position 1901, T replaced by C.
Protein change: p.Ile634Thr; replaces isoleucine 634 with threonine.
Molecular consequence: missense variant.
Genome position (GRCh38, 1-based): chr12:6,521,984, T>C. VCF-style: chr12-6521984-T-C. GRCh37 (hg19) VCF-style: chr12-6631150-T-C.
Other names: short protein forms I634T.
Identifiers: ClinVar variation 3034835 (VCV003034835.3), dbSNP rs140245065, ClinGen allele CA6408528.